The following is an entry in ClinVar:

ClinVar aggregate classification (germline): Uncertain significance (1 of 4 stars; one submission).

Submission:

CeGaT Center for Human Genetics Tuebingen
Classification: Uncertain significance. Last evaluated: 2022-05-01. Review status: criteria provided, single submitter. Criteria: CeGaT Center For Human Genetics Tuebingen Variant Classification Criteria Version 2. Collection method: clinical testing. Allele origin: germline. Affected: yes. Observed: 1 variant allele.
Comment: MYCBP2: PM2, PP2

NM_015057.5(MYCBP2):c.12596T>A (p.Ile4199Asn)

Gene: MYCBP2 (MYC binding protein 2; minus strand). Cytogenetic location: 13q22.3.
Variant type: single nucleotide variant.
Coding change: c.12596T>A on transcript NM_015057.5 (MANE Select); coding-DNA position 12596, T replaced by A.
Protein change: p.Ile4199Asn; replaces isoleucine 4199 with asparagine.
Molecular consequence: missense variant.
Genome position (GRCh38, 1-based): chr13:77,064,691, A>T on the plus strand (T>A on the coding strand, the complement: MYCBP2 is on the minus strand). VCF-style: chr13-77064691-A-T. GRCh37 (hg19) VCF-style: chr13-77638826-A-T.
Other names: short protein forms I4199N.
Identifiers: ClinVar variation 2643852 (VCV002643852.24), dbSNP rs2154076984, ClinGen allele CA388373567.